The following is an entry in ClinVar:

ClinVar aggregate classification (germline): Likely pathogenic (1 of 4 stars; one submission).

Conditions:
Dilated cardiomyopathy 1G (CMD1G). Identifiers: Orphanet 154, MedGen C1858763, MONDO:0011400, OMIM 604145.
Autosomal recessive limb-girdle muscular dystrophy type 2J (LGMDR10). Also called: Limb-girdle muscular dystrophy, type 2J; MUSCULAR DYSTROPHY, LIMB-GIRDLE, AUTOSOMAL RECESSIVE 10. Identifiers: Orphanet 140922, MedGen C1837342, MONDO:0012127, OMIM 608807.

Submission:

Labcorp Genetics (formerly Invitae), Labcorp
Classification: Likely pathogenic for Dilated cardiomyopathy 1G; Autosomal recessive limb-girdle muscular dystrophy type 2J. Last evaluated: 2025-07-30. Review status: criteria provided, single submitter. Criteria: Invitae Variant Classification Sherloc (09022015). Collection method: clinical testing. Allele origin: germline.
Comment: This sequence change creates a premature translational stop signal (p.Arg17902Thrfs*4) in the TTN gene. While this is not anticipated to result in nonsense mediated decay, it is expected to create a truncated TTN protein. This variant is not present in population databases (gnomAD no frequency). This premature translational stop signal has been observed in individual(s) with dilated cardiomyopathy (internal data). ClinVar contains an entry for this variant (Variation ID: 657202). This variant is located in the A band of TTN (PMID: 25589632). Truncating variants in this region are significantly overrepresented in patients affected with dilated cardiomyopathy (PMID: 25589632). Truncating variants in this region have also been reported in individuals affected with autosomal recessive centronuclear myopathy (PMID: 23975875). In summary, the currently available evidence indicates that the variant is pathogenic, but additional data are needed to prove that conclusively. Therefore, this variant has been classified as Likely Pathogenic.

Literature cited by the submitters: PubMed 25589632; PubMed 23975875.

NM_001267550.2(TTN):c.53703dup (p.Arg17902fs)

Genes: TTN (titin; minus strand), TTN-AS1 (TTN antisense RNA 1; plus strand). Cytogenetic location: 2q31.2.
Variant type: Duplication.
Coding change: c.53703dup on transcript NM_001267550.2 (MANE Select); coding-DNA position 53703, one base duplicated (A; older notation c.53703dupA).
Protein change: p.Arg17902fs; shifts the reading frame from arginine 17902.
Molecular consequence: frameshift variant.
Genome position (GRCh38, 1-based): chr2:178,605,592, T duplicated on the plus strand (A on the coding strand, the reverse complement: TTN is on the minus strand); the first of 5 consecutive T bases (chr2:178,605,592-178,605,596); duplicating any one gives the same sequence. VCF-style (leftmost placement, unchanged base first): chr2-178605591-G-GT. GRCh37 (hg19) VCF-style: chr2-179470318-G-GT.
Other names: c.53703dupA (NM_001267550.2); c.48780dup, p.Arg16261fs (NM_001256850.1); c.26508dup, p.Arg8837fs (NM_003319.4); c.45999dup, p.Arg15334fs (NM_133378.4); c.26883dup, p.Arg8962fs (NM_133432.3); c.27084dup, p.Arg9029fs (NM_133437.4); short protein forms R15334fs, R9029fs, R16261fs, R8837fs, R17902fs, R8962fs.
Identifiers: ClinVar variation 657202 (VCV000657202.9), dbSNP rs1576340321, ClinGen allele CA915942198.
Genomic context (GRCh38, chr2:178,605,591, plus strand): 5'-AAGATGTGGTTGGGCAGAGTCGCTTGTTAACTCTTTCAAAGTCAGGTTTGTCATGACGCC[G>GT]TTTTTCAATGATATATCCTTGGATGGGACTGCCACCATTACTGCGGGGCTCTTTCCAGTC-3'